The following is an entry in ClinVar:

NM_004663.5(RAB11A):c.421G>A (p.Ala141Thr)

Gene: RAB11A (RAB11A, member RAS oncogene family; plus strand). Cytogenetic location: 15q22.31.
Variant type: single nucleotide variant.
Coding change: c.421G>A on transcript NM_004663.5 (MANE Select); coding-DNA position 421, G replaced by A.
Protein change: p.Ala141Thr; replaces alanine 141 with threonine.
Molecular consequence: missense variant.
Genome position (GRCh38, 1-based): chr15:65,877,946, G>A. VCF-style: chr15-65877946-G-A. GRCh37 (hg19) VCF-style: chr15-66170284-G-A.
Other names: c.421G>A, p.Ala141Thr (NM_001206836.2); short protein forms A141T.
Identifiers: ClinVar variation 2758504 (VCV002758504.3), dbSNP rs2549035649, ClinGen allele CA392922166.

ClinVar aggregate classification (germline): Uncertain significance (1 of 4 stars; one submission).

Allele frequency attached by ClinVar (database versions not stated): gnomAD exomes below 0.00001.
gnomAD v4.1: 2 of 1,612,730 alleles (0.00012%); highest among the groups gnomAD compares: Non-Finnish European, 0.00017%; no homozygotes.

Submission:

Labcorp Genetics (formerly Invitae), Labcorp
Classification: Uncertain significance. Last evaluated: 2023-09-06. Review status: criteria provided, single submitter. Criteria: Invitae Variant Classification Sherloc (09022015). Collection method: clinical testing. Allele origin: germline.
Comment: In summary, the available evidence is currently insufficient to determine the role of this variant in disease. Therefore, it has been classified as a Variant of Uncertain Significance. An algorithm developed to predict the effect of missense changes on protein structure and function (PolyPhen-2) suggests that this variant is likely to be tolerated. This variant has not been reported in the literature in individuals affected with RAB11A-related conditions. This variant is not present in population databases (gnomAD no frequency). This sequence change replaces alanine, which is neutral and non-polar, with threonine, which is neutral and polar, at codon 141 of the RAB11A protein (p.Ala141Thr).